The following is an entry in ClinVar:

NM_004523.4(KIF11):c.238G>C (p.Asp80His)

Gene: KIF11 (kinesin family member 11; plus strand). Cytogenetic location: 10q23.33.
Variant type: single nucleotide variant.
Coding change: c.238G>C on transcript NM_004523.4 (MANE Select); coding-DNA position 238, G replaced by C.
Protein change: p.Asp80His; replaces aspartic acid 80 with histidine.
Molecular consequence: missense variant.
Genome position (GRCh38, 1-based): chr10:92,606,646, G>C. VCF-style: chr10-92606646-G-C. GRCh37 (hg19) VCF-style: chr10-94366403-G-C.
Other names: short protein forms D80H.
Identifiers: ClinVar variation 1311585 (VCV001311585.2), dbSNP rs1844433909, ClinGen allele CA377588403.

ClinVar aggregate classification (germline): Uncertain significance (1 of 4 stars; one submission).

Allele frequency attached by ClinVar (database versions not stated): gnomAD 0.00001.
gnomAD v4.1: 1 of 1,583,182 alleles (0.000063%); highest among the groups gnomAD compares: Non-Finnish European, 0.000087%; no homozygotes.

Submission:

GeneDx
Classification: Uncertain significance. Last evaluated: 2020-01-18. Review status: criteria provided, single submitter. Criteria: GeneDx Variant Classification Process June 2021. Collection method: clinical testing. Allele origin: germline. Affected: yes.
Comment: Not observed in large population cohorts (Lek et al., 2016); In silico analysis, which includes protein predictors and evolutionary conservation, supports a deleterious effect; Has not been previously published as pathogenic or benign to our knowledge